The following is an entry in ClinVar:

NM_024598.4(USB1):c.371C>G (p.Ser124Cys)

Gene: USB1 (U6 snRNA biogenesis phosphodiesterase 1; plus strand). Cytogenetic location: 16q21.
Variant type: single nucleotide variant.
Coding change: c.371C>G on transcript NM_024598.4 (MANE Select); coding-DNA position 371, C replaced by G.
Protein change: p.Ser124Cys; replaces serine 124 with cysteine.
Molecular consequence: missense variant.
Genome position (GRCh38, 1-based): chr16:58,010,034, C>G. VCF-style: chr16-58010034-C-G. GRCh37 (hg19) VCF-style: chr16-58043938-C-G.
Other names: c.371C>G, p.Ser124Cys (NM_001195302.2, NM_001204911.2, NM_001330569.2); c.218C>G, p.Ser73Cys (NM_001330568.2); short protein forms S124C, S73C.
Identifiers: ClinVar variation 4634210 (VCV004634210.1).

ClinVar aggregate classification (germline): Uncertain significance (1 of 4 stars; one submission).

Conditions:
Inborn genetic diseases. Identifiers: MedGen C0950123, MeSH D030342.

Submission:

Ambry Genetics
Classification: Uncertain significance for Inborn genetic diseases. Last evaluated: 2025-11-17. Review status: criteria provided, single submitter. Criteria: Ambry Variant Classification Scheme 2023. Collection method: clinical testing. Allele origin: germline.
Comment: The p.S124C variant (also known as c.371C>G), located in coding exon 3 of the USB1 gene, results from a C to G substitution at nucleotide position 371. The serine at codon 124 is replaced by cysteine, an amino acid with dissimilar properties. This amino acid position is conserved. In addition, this alteration is predicted to be deleterious by in silico analysis. Based on the available evidence, the clinical significance of this variant remains unclear.